The following is an entry in ClinVar:

NM_016373.4(WWOX):c.520A>G (p.Lys174Glu)

Gene: WWOX (WW domain containing oxidoreductase; plus strand). Cytogenetic location: 16q23.1.
Variant type: single nucleotide variant.
Coding change: c.520A>G on transcript NM_016373.4 (MANE Select); coding-DNA position 520, A replaced by G.
Protein change: p.Lys174Glu; replaces lysine 174 with glutamic acid.
Molecular consequence: missense variant.
Genome position (GRCh38, 1-based): chr16:78,386,863, A>G. VCF-style: chr16-78386863-A-G. GRCh37 (hg19) VCF-style: chr16-78420760-A-G.
Other names: c.181A>G, p.Lys61Glu (NM_001291997.2); short protein forms K174E, K61E.
Identifiers: ClinVar variation 1037058 (VCV001037058.7), dbSNP rs766451936, ClinGen allele CA284567505.

ClinVar aggregate classification (germline): Uncertain significance (1 of 4 stars; one submission).

Conditions:
Developmental and epileptic encephalopathy, 1 (DEE1). Also called: Epileptic encephalopathy, early infantile, 1; INFANTILE SPASM SYNDROME, X-LINKED 1; X-linked infantile spasms; West's syndrome; Tonic spasms with clustering, arrest of psychomotor development and hypsarrhythmia on EEG; X-Linked Infantile Spasm Syndrome. Identifiers: MedGen C3463992, MONDO:0010632, OMIM 308350. Disease mechanism: loss of function.
Autosomal recessive spinocerebellar ataxia 12. Also called: SPINOCEREBELLAR ATAXIA WITH MENTAL RETARDATION AND EPILEPSY. Identifiers: Orphanet 284282, MedGen C3280452, MONDO:0013687, OMIM 614322.

Allele frequency attached by ClinVar (database versions not stated): gnomAD exomes below 0.00001.
gnomAD v4.1: 1 of 1,613,932 alleles (0.000062%); highest among the groups gnomAD compares: Non-Finnish European, 0.000085%; no homozygotes.

Submission:

Labcorp Genetics (formerly Invitae), Labcorp
Classification: Uncertain significance for Developmental and epileptic encephalopathy, 1; Autosomal recessive spinocerebellar ataxia 12. Last evaluated: 2020-04-01. Review status: criteria provided, single submitter. Criteria: Invitae Variant Classification Sherloc (09022015). Collection method: clinical testing. Allele origin: germline.
Comment: This sequence change replaces lysine with glutamic acid at codon 174 of the WWOX protein (p.Lys174Glu). The lysine residue is highly conserved and there is a small physicochemical difference between lysine and glutamic acid. In summary, the available evidence is currently insufficient to determine the role of this variant in disease. Therefore, it has been classified as a Variant of Uncertain Significance. Algorithms developed to predict the effect of missense changes on protein structure and function are either unavailable or do not agree on the potential impact of this missense change (SIFT: "Not Available"; PolyPhen-2: "Benign"; Align-GVGD: "Not Available"). This variant has not been reported in the literature in individuals with WWOX-related conditions. This variant is not present in population databases (ExAC no frequency).